The following is an entry in ClinVar:

NM_004453.4(ETFDH):c.606+10GTTTT[2]

Gene: ETFDH (electron transfer flavoprotein dehydrogenase; plus strand). Cytogenetic location: 4q32.1.
Variant type: Microsatellite.
Coding change: c.606+10GTTTT[2] on transcript NM_004453.4 (MANE Select); two copies in a row of the 5-base unit GTTTT starting at c.606+10; the reference has three copies in a row; one copy, 5 bases deleted.
Molecular consequence: intron variant.
Genome position (GRCh38, 1-based): chr4:158,685,239-158,685,243, GTTTT deleted; deleting any 5 consecutive bases within chr4:158,685,229-158,685,243 gives the same sequence; the position shown is the placement nearest the transcript's 3' end. VCF-style (leftmost placement, unchanged base first): chr4-158685228-AGTTTT-A. GRCh37 (hg19) VCF-style: chr4-159606380-AGTTTT-A.
Other names: c.465+10GTTTT[2] (NM_001281737.2); c.423+10GTTTT[2] (NM_001281738.1); c.606+20_606+24delGTTTT (NM_004453.4).
Identifiers: ClinVar variation 681403 (VCV000681403.11), dbSNP rs745580994, ClinGen allele CA3122396.

ClinVar aggregate classification (germline): Likely benign. Review status: criteria provided, multiple submitters, no conflicts (2 of 4 stars). 3 submissions from 3 submitters: Likely benign (2). 1 of the submissions does not count toward it. Last evaluated 2024-12-17.

Conditions:
Multiple acyl-CoA dehydrogenase deficiency (MADD). Also called: Glutaric Acidemia type 2; Glutaric acidemia type II; GA 2; Glutaric aciduria, type 2; ETHYLMALONIC-ADIPICACIDURIA; GA II. Identifiers: Orphanet 26791, MedGen C0268596, MONDO:0009282, OMIM 231680.

Submissions (3):

Labcorp Genetics (formerly Invitae), Labcorp
Classification: Likely benign for Multiple acyl-CoA dehydrogenase deficiency. Last evaluated: 2024-12-17. Review status: criteria provided, single submitter. Criteria: Invitae Variant Classification Sherloc (09022015). Collection method: clinical testing. Allele origin: germline.

GeneDx
Classification: Likely benign. Last evaluated: 2018-04-12. Review status: criteria provided, single submitter. Criteria: GeneDx Variant Classification (06012015). Collection method: clinical testing. Allele origin: germline. Affected: yes.
Comment: This variant is considered likely benign or benign based on one or more of the following criteria: it is a conservative change, it occurs at a poorly conserved position in the protein, it is predicted to be benign by multiple in silico algorithms, and/or has population frequency not consistent with disease.

Natera, Inc.
Classification: Uncertain significance for Glutaric aciduria type 2. Last evaluated: 2020-04-21. Review status: no assertion criteria provided. Collection method: clinical testing. Allele origin: germline. Not counted in ClinVar's aggregate classification.